The following is an entry in ClinVar:

NM_000368.5(TSC1):c.134T>A (p.Leu45Ter)

Gene: TSC1 (TSC complex subunit 1; minus strand). Cytogenetic location: 9q34.13.
Variant type: single nucleotide variant.
Coding change: c.134T>A on transcript NM_000368.5 (MANE Select); coding-DNA position 134, T replaced by A.
Protein change: p.Leu45Ter; replaces leucine 45 with a stop codon.
Molecular consequence: nonsense. On other transcripts: intron variant (1).
Genome position (GRCh38, 1-based): chr9:132,927,277, A>T on the plus strand (T>A on the coding strand, the complement: TSC1 is on the minus strand). VCF-style: chr9-132927277-A-T. GRCh37 (hg19) VCF-style: chr9-135802664-A-T.
Other names: c.134T>A, p.Leu45Ter (NM_001162426.2, NM_001162427.2); c.-154+1490T>A (NM_001362177.2); short protein forms L45*.
Identifiers: ClinVar variation 1175583 (VCV001175583.2), dbSNP rs1554820662, ClinGen allele CA375375187.

ClinVar aggregate classification (germline): Pathogenic (1 of 4 stars; one submission).

Submission:

GeneDx
Classification: Pathogenic. Last evaluated: 2019-06-20. Review status: criteria provided, single submitter. Criteria: GeneDx Variant Classification Process June 2021. Collection method: clinical testing. Allele origin: germline. Affected: yes.
Comment: Nonsense variant predicted to result in protein truncation or nonsense mediated decay in a gene for which loss-of-function is a known mechanism of disease; Not observed in large population cohorts (Lek et al., 2016); Has not been previously published as pathogenic or benign to our knowledge